The following is an entry in ClinVar:

NM_004369.4(COL6A3):c.8014T>G (p.Ser2672Ala)

Gene: COL6A3 (collagen type VI alpha 3 chain; minus strand). Cytogenetic location: 2q37.3.
Variant type: single nucleotide variant.
Coding change: c.8014T>G on transcript NM_004369.4 (MANE Select); coding-DNA position 8014, T replaced by G.
Protein change: p.Ser2672Ala; replaces serine 2672 with alanine.
Molecular consequence: missense variant.
Genome position (GRCh38, 1-based): chr2:237,340,902, A>C on the plus strand (T>G on the coding strand, the complement: COL6A3 is on the minus strand). VCF-style: chr2-237340902-A-C. GRCh37 (hg19) VCF-style: chr2-238249545-A-C.
Other names: c.6193T>G, p.Ser2065Ala (NM_057166.5); c.7396T>G, p.Ser2466Ala (NM_057167.4); short protein forms S2466A, S2672A, S2065A.
Identifiers: ClinVar variation 2917322 (VCV002917322.3), dbSNP rs1467030950, ClinGen allele CA351196878.

ClinVar aggregate classification (germline): Uncertain significance (1 of 4 stars; one submission).

Conditions:
Bethlem myopathy 1A. Also called: MYOPATHY, BENIGN CONGENITAL, WITH CONTRACTURES; Bethlem myopathy 1; Bethlem Muscular Dystrophy. Identifiers: Orphanet 610, MedGen CN029274, MONDO:0024530, OMIM 158810.

Allele frequency attached by ClinVar (database versions not stated): gnomAD exomes below 0.00001; TOPMed below 0.00001.
gnomAD v4.1: 3 of 1,613,344 alleles (0.00019%); highest among the groups gnomAD compares: Non-Finnish European, 0.00017%; no homozygotes.

Submission:

Labcorp Genetics (formerly Invitae), Labcorp
Classification: Uncertain significance for Bethlem myopathy 1A. Last evaluated: 2025-04-20. Review status: criteria provided, single submitter. Criteria: Invitae Variant Classification Sherloc (09022015). Collection method: clinical testing. Allele origin: germline.
Comment: This sequence change replaces serine, which is neutral and polar, with alanine, which is neutral and non-polar, at codon 2672 of the COL6A3 protein (p.Ser2672Ala). This variant is present in population databases (no rsID available, gnomAD 0.0009%). This variant has not been reported in the literature in individuals affected with COL6A3-related conditions. ClinVar contains an entry for this variant (Variation ID: 2917322). Invitae Evidence Modeling of protein sequence and biophysical properties (such as structural, functional, and spatial information, amino acid conservation, physicochemical variation, residue mobility, and thermodynamic stability) indicates that this missense variant is not expected to disrupt COL6A3 protein function with a negative predictive value of 80%. In summary, the available evidence is currently insufficient to determine the role of this variant in disease. Therefore, it has been classified as a Variant of Uncertain Significance.